The following is an entry in ClinVar:

NM_001282225.2(ADA2):c.753+2T>A

Gene: ADA2 (adenosine deaminase 2; minus strand). Cytogenetic location: 22q11.1.
Variant type: single nucleotide variant.
Coding change: c.753+2T>A on transcript NM_001282225.2 (MANE Select); the canonical splice donor site of the intron after coding-DNA position 753, T replaced by A.
Molecular consequence: splice donor variant.
Genome position (GRCh38, 1-based): chr22:17,203,561, A>T on the plus strand (T>A on the coding strand, the complement: ADA2 is on the minus strand). VCF-style: chr22-17203561-A-T. GRCh37 (hg19) VCF-style: chr22-17684451-A-T.
Other names: c.627+2T>A (NM_001282227.2, NM_001282228.2); c.393+2T>A (NM_001282229.2); c.753+2T>A (NM_001282226.2).
Identifiers: ClinVar variation 2910474 (VCV002910474.3), dbSNP rs2517345941, ClinGen allele CA410227757.

ClinVar aggregate classification (germline): Pathogenic (1 of 4 stars; one submission).

Conditions:
Deficiency of adenosine deaminase 2. Also called: Polyarteritis nodosa, childhoood-onset; Adenosine Deaminase 2 Deficiency; VASCULITIS, AUTOINFLAMMATION, IMMUNODEFICIENCY, AND HEMATOLOGIC DEFECTS SYNDROME. Identifiers: Orphanet 404553, MedGen C3887654, MONDO:0014306, OMIM 615688, MONDO:0100317.

Submission:

Labcorp Genetics (formerly Invitae), Labcorp
Classification: Pathogenic for Deficiency of adenosine deaminase 2. Last evaluated: 2023-06-27. Review status: criteria provided, single submitter. Criteria: Invitae Variant Classification Sherloc (09022015). Collection method: clinical testing. Allele origin: germline.
Comment: For these reasons, this variant has been classified as Pathogenic. Algorithms developed to predict the effect of sequence changes on RNA splicing suggest that this variant may disrupt the consensus splice site. Disruption of this splice site has been observed in individuals with clinical features of polyarteritis nodosa (PMID: 30165497; Invitae). This variant is not present in population databases (gnomAD no frequency). This sequence change affects a donor splice site in intron 4 of the ADA2 gene. It is expected to disrupt RNA splicing. Variants that disrupt the donor or acceptor splice site typically lead to a loss of protein function (PMID: 16199547), and loss-of-function variants in ADA2 are known to be pathogenic (PMID: 24552284, 24552285).

Literature cited by the submitters: PubMed 30165497; PubMed 16199547; PubMed 24552284; PubMed 24552285.